The following is an entry in ClinVar:

NM_017612.5(ZCCHC8):c.1174G>T (p.Ala392Ser)

Gene: ZCCHC8 (zinc finger CCHC-type containing 8; minus strand). Cytogenetic location: 12q24.31.
Variant type: single nucleotide variant.
Coding change: c.1174G>T on transcript NM_017612.5 (MANE Select); coding-DNA position 1174, G replaced by T.
Protein change: p.Ala392Ser; replaces alanine 392 with serine.
Molecular consequence: missense variant.
Genome position (GRCh38, 1-based): chr12:122,478,259, C>A on the plus strand (G>T on the coding strand, the complement: ZCCHC8 is on the minus strand). VCF-style: chr12-122478259-C-A. GRCh37 (hg19) VCF-style: chr12-122962806-C-A.
Other names: c.943G>T, p.Ala315Ser (NM_001350935.2); c.877G>T, p.Ala293Ser (NM_001350936.2); c.460G>T, p.Ala154Ser (NM_001350937.2, NM_001350938.2); short protein forms A392S, A315S, A154S, A293S.
Identifiers: ClinVar variation 1488718 (VCV001488718.7), dbSNP rs769589035, ClinGen allele CA6846262.

ClinVar aggregate classification (germline): Uncertain significance. Review status: criteria provided, multiple submitters, no conflicts (2 of 4 stars). 2 submissions from 2 submitters: Uncertain significance (2). Last evaluated 2024-01-29.

Allele frequency attached by ClinVar (database versions not stated): gnomAD exomes below 0.00001 and 0.00002; gnomAD 0.00001; ExAC 0.00002; TOPMed 0.00002.
gnomAD v4.1: 23 of 1,602,120 alleles (0.0014%); highest among the groups gnomAD compares: Non-Finnish European, 0.002%; no homozygotes.

Submissions (2):

Labcorp Genetics (formerly Invitae), Labcorp
Classification: Uncertain significance. Last evaluated: 2024-01-29. Review status: criteria provided, single submitter. Criteria: Invitae Variant Classification Sherloc (09022015). Collection method: clinical testing. Allele origin: germline.
Comment: This sequence change replaces alanine, which is neutral and non-polar, with serine, which is neutral and polar, at codon 392 of the ZCCHC8 protein (p.Ala392Ser). The frequency data for this variant in the population databases is considered unreliable, as metrics indicate poor data quality at this position in the gnomAD database. This variant has not been reported in the literature in individuals affected with ZCCHC8-related conditions. ClinVar contains an entry for this variant (Variation ID: 1488718). Advanced modeling of protein sequence and biophysical properties (such as structural, functional, and spatial information, amino acid conservation, physicochemical variation, residue mobility, and thermodynamic stability) performed at Invitae indicates that this missense variant is not expected to disrupt ZCCHC8 protein function with a negative predictive value of 80%. In summary, the available evidence is currently insufficient to determine the role of this variant in disease. Therefore, it has been classified as a Variant of Uncertain Significance.

Breakthrough Genomics
Classification: Uncertain significance. Review status: criteria provided, single submitter. Criteria: ACMG Guidelines, 2015. Collection method: not provided. Allele origin: germline. Inheritance: Autosomal dominant inheritance. Affected: yes.